The following is an entry in ClinVar:

NM_001165963.4(SCN1A):c.1915G>A (p.Gly639Arg)

Gene: SCN1A (sodium voltage-gated channel alpha subunit 1; minus strand). Cytogenetic location: 2q24.3.
Variant type: single nucleotide variant.
Coding change: c.1915G>A on transcript NM_001165963.4 (MANE Select); coding-DNA position 1915, G replaced by A.
Protein change: p.Gly639Arg; replaces glycine 639 with arginine.
Molecular consequence: missense variant. On other transcripts: 5 prime UTR variant (1), non-coding transcript variant (1).
Genome position (GRCh38, 1-based): chr2:166,043,797, C>T on the plus strand (G>A on the coding strand, the complement: SCN1A is on the minus strand). VCF-style: chr2-166043797-C-T. GRCh37 (hg19) VCF-style: chr2-166900307-C-T.
Other names: c.1915G>A, p.Gly639Arg (NM_001165964.3, NM_001202435.3, NM_001353948.2 and 7 more transcripts); c.1912G>A, p.Gly638Arg (NM_001353954.2, NM_001353955.2, NM_001353960.2); c.-511G>A (NM_001353961.2); short protein forms G639R, G638R.
Identifiers: ClinVar variation 2740047 (VCV002740047.3), dbSNP rs1229056379, ClinGen allele CA349067304.

ClinVar aggregate classification (germline): Uncertain significance (1 of 4 stars; one submission).

Conditions:
Early-infantile DEE. Also called: Early infantile epileptic encephalopathy with suppression bursts; Early infantile epileptic encephalopathy; Ohtahara syndrome. Identifiers: Orphanet 1934, MedGen C0393706, MONDO:0800491.

Submission:

Labcorp Genetics (formerly Invitae), Labcorp
Classification: Uncertain significance for Early-infantile DEE. Last evaluated: 2024-01-17. Review status: criteria provided, single submitter. Criteria: Invitae Variant Classification Sherloc (09022015). Collection method: clinical testing. Allele origin: germline.
Comment: This sequence change replaces glycine, which is neutral and non-polar, with arginine, which is basic and polar, at codon 639 of the SCN1A protein (p.Gly639Arg). This variant is not present in population databases (gnomAD no frequency). This variant has not been reported in the literature in individuals affected with SCN1A-related conditions. Advanced modeling of protein sequence and biophysical properties (such as structural, functional, and spatial information, amino acid conservation, physicochemical variation, residue mobility, and thermodynamic stability) performed at Invitae indicates that this missense variant is expected to disrupt SCN1A protein function with a positive predictive value of 95%. In summary, the available evidence is currently insufficient to determine the role of this variant in disease. Therefore, it has been classified as a Variant of Uncertain Significance.